The following is an entry in ClinVar:

NM_022140.5(EPB41L4A):c.1179-11T>A

Gene: EPB41L4A (erythrocyte membrane protein band 4.1 like 4A; minus strand). Cytogenetic location: 5q22.2.
Variant type: single nucleotide variant.
Coding change: c.1179-11T>A on transcript NM_022140.5 (MANE Select); 11 bases into the intron before coding-DNA position 1179, T replaced by A.
Molecular consequence: intron variant.
Genome position (GRCh38, 1-based): chr5:112,205,515, A>T on the plus strand (T>A on the coding strand, the complement: EPB41L4A is on the minus strand). VCF-style: chr5-112205515-A-T. GRCh37 (hg19) VCF-style: chr5-111541212-A-T.
Other names: NC_000005.9:g.111541212A>T; c.1179-11T>A (NM_001347887.2).
Identifiers: ClinVar variation 3770478 (VCV003770478.14).
Genomic context (GRCh38, chr5:112,205,515, plus strand): 5'-ATTTGCTTCTTTGGGTATCAGGGCTATTTTCATTCTTTGCTTTCTTAAAGCTTTAATTTT[A>T]AAAAAAAGTATGAGAAATAAATTAAGTAGAAAATAAAAGTAAACTCACATACTTATTTGT-3'

ClinVar aggregate classification (germline): Likely benign (1 of 4 stars; one submission).

gnomAD v4.1: 7,915 of 1,543,322 alleles (0.51%); highest among the groups gnomAD compares: Non-Finnish European, 0.61%; 34 homozygotes.

Submissions (12):

CeGaT Center for Human Genetics Tuebingen
Classification: Likely benign. Last evaluated: 2025-02-01. Review status: criteria provided, single submitter. Criteria: CeGaT Center For Human Genetics Tuebingen Variant Classification Criteria Version 2. Collection method: clinical testing. Allele origin: germline. Affected: yes. Observed: 1 variant allele.
Comment: EPB41L4A: BS2

Dr. Peter K. Rogan Lab, Western University
No classification provided (evidence only). Condition: Clear cell carcinoma of kidney. Review status: no classification provided. Collection method: in vitro. Allele origin: not applicable. Functional consequence: skipped exon. Not counted in ClinVar's aggregate classification.

Dr. Peter K. Rogan Lab, Western University
No classification provided (evidence only). Condition: Clear cell carcinoma of kidney. Review status: no classification provided. Collection method: in vitro. Allele origin: not applicable. Functional consequence: skipped exon. Not counted in ClinVar's aggregate classification.

Dr. Peter K. Rogan Lab, Western University
No classification provided (evidence only). Condition: Clear cell carcinoma of kidney. Review status: no classification provided. Collection method: in vitro. Allele origin: not applicable. Functional consequence: skipped exon. Not counted in ClinVar's aggregate classification.

Dr. Peter K. Rogan Lab, Western University
No classification provided (evidence only). Condition: Lung cancer. Review status: no classification provided. Collection method: in vitro. Allele origin: not applicable. Functional consequence: skipped exon, retained intron. Not counted in ClinVar's aggregate classification.

Dr. Peter K. Rogan Lab, Western University
No classification provided (evidence only). Condition: Lung cancer. Review status: no classification provided. Collection method: in vitro. Allele origin: not applicable. Functional consequence: skipped exon. Not counted in ClinVar's aggregate classification.

Dr. Peter K. Rogan Lab, Western University
No classification provided (evidence only). Condition: Uterine corpus endometrial carcinoma. Review status: no classification provided. Collection method: in vitro. Allele origin: not applicable. Functional consequence: skipped exon. Not counted in ClinVar's aggregate classification.

Dr. Peter K. Rogan Lab, Western University
No classification provided (evidence only). Condition: Cervical cancer. Review status: no classification provided. Collection method: in vitro. Allele origin: not applicable. Functional consequence: skipped exon, retained intron. Not counted in ClinVar's aggregate classification.

Dr. Peter K. Rogan Lab, Western University
No classification provided (evidence only). Condition: Sarcoma. Review status: no classification provided. Collection method: in vitro. Allele origin: not applicable. Functional consequence: skipped exon. Not counted in ClinVar's aggregate classification.

Dr. Peter K. Rogan Lab, Western University
No classification provided (evidence only). Condition: Thymoma. Review status: no classification provided. Collection method: in vitro. Allele origin: not applicable. Functional consequence: skipped exon, retained intron. Not counted in ClinVar's aggregate classification.

Dr. Peter K. Rogan Lab, Western University
No classification provided (evidence only). Condition: Nonpapillary renal cell carcinoma. Review status: no classification provided. Collection method: in vitro. Allele origin: not applicable. Functional consequence: skipped exon. Not counted in ClinVar's aggregate classification.

Dr. Peter K. Rogan Lab, Western University
No classification provided (evidence only). Condition: Nonpapillary renal cell carcinoma. Review status: no classification provided. Collection method: in vitro. Allele origin: not applicable. Functional consequence: skipped exon. Not counted in ClinVar's aggregate classification.